The following is an entry in ClinVar:

NM_001211.6(BUB1B):c.2035G>A (p.Ala679Thr)

Gene: BUB1B (BUB1 mitotic checkpoint serine/threonine kinase B; plus strand). Cytogenetic location: 15q15.1.
Variant type: single nucleotide variant.
Coding change: c.2035G>A on transcript NM_001211.6 (MANE Select); coding-DNA position 2035, G replaced by A.
Protein change: p.Ala679Thr; replaces alanine 679 with threonine.
Molecular consequence: missense variant.
Genome position (GRCh38, 1-based): chr15:40,208,662, G>A. VCF-style: chr15-40208662-G-A. GRCh37 (hg19) VCF-style: chr15-40500863-G-A.
Other names: short protein forms A679T.
Identifiers: ClinVar variation 4754708 (VCV004754708.1).

ClinVar aggregate classification (germline): Uncertain significance (1 of 4 stars; one submission).

Conditions:
Mosaic variegated aneuploidy syndrome 1 (MVA1). Also called: Warburton-Anyane-Yeboa syndrome. Identifiers: Orphanet 1052, MedGen C1850343, MONDO:0009759, OMIM 257300.

Submission:

Labcorp Genetics (formerly Invitae), Labcorp
Classification: Uncertain significance for Mosaic variegated aneuploidy syndrome 1. Last evaluated: 2026-01-19. Review status: criteria provided, single submitter. Criteria: Invitae Variant Classification Sherloc (09022015). Collection method: clinical testing. Allele origin: germline.
Comment: This sequence change replaces alanine, which is neutral and non-polar, with threonine, which is neutral and polar, at codon 679 of the BUB1B protein (p.Ala679Thr). This variant is not present in population databases (gnomAD no frequency). This variant has not been reported in the literature in individuals affected with BUB1B-related conditions. An algorithm developed to predict the effect of missense changes on protein structure and function (PolyPhen-2) suggests that this variant is likely to be tolerated. In summary, the available evidence is currently insufficient to determine the role of this variant in disease. Therefore, it has been classified as a Variant of Uncertain Significance.